The following is an entry in ClinVar:

ClinVar aggregate classification (germline): Uncertain significance (1 of 4 stars; one submission).

Conditions:
Cardiovascular phenotype. Identifiers: MedGen CN230736.

Submission:

Ambry Genetics
Classification: Uncertain significance for Cardiovascular phenotype. Last evaluated: 2026-02-25. Review status: criteria provided, single submitter. Criteria: Ambry Variant Classification Scheme 2023. Collection method: clinical testing. Allele origin: germline.
Comment: The p.T544I variant (also known as c.1631C>T), located in coding exon 12 of the ENG gene, results from a C to T substitution at nucleotide position 1631. The threonine at codon 544 is replaced by isoleucine, an amino acid with similar properties. This amino acid position is conserved. In addition, this alteration is predicted to be tolerated by in silico analysis. Based on the available evidence, the clinical significance of this variant remains unclear.

NM_001114753.3(ENG):c.1631C>T (p.Thr544Ile)

Genes: ENG (endoglin; minus strand), LOC102723566 (uncharacterized LOC102723566; plus strand). Cytogenetic location: 9q34.11.
Variant type: single nucleotide variant.
Coding change: c.1631C>T on transcript NM_001114753.3 (MANE Select); coding-DNA position 1631, C replaced by T.
Protein change: p.Thr544Ile; replaces threonine 544 with isoleucine.
Molecular consequence: missense variant.
Genome position (GRCh38, 1-based): chr9:127,818,175, G>A on the plus strand (C>T on the coding strand, the complement: ENG is on the minus strand). VCF-style: chr9-127818175-G-A. GRCh37 (hg19) VCF-style: chr9-130580454-G-A.
Other names: c.1631C>T, p.Thr544Ile (NM_000118.4); c.1085C>T, p.Thr362Ile (NM_001278138.2); short protein forms T544I, T362I.
Identifiers: ClinVar variation 4843433 (VCV004843433.1).